The following is an entry in ClinVar:

NM_020686.6(ABAT):c.1336G>A (p.Asp446Asn)

Gene: ABAT (4-aminobutyrate aminotransferase; plus strand). Cytogenetic location: 16p13.2.
Variant type: single nucleotide variant.
Coding change: c.1336G>A on transcript NM_020686.6 (MANE Select); coding-DNA position 1336, G replaced by A.
Protein change: p.Asp446Asn; replaces aspartic acid 446 with asparagine.
Molecular consequence: missense variant. On other transcripts: intron variant (1).
Genome position (GRCh38, 1-based): chr16:8,779,545, G>A. VCF-style: chr16-8779545-G-A. GRCh37 (hg19) VCF-style: chr16-8873402-G-A.
Other names: c.1336G>A, p.Asp446Asn (NM_000663.5, NM_001127448.2, NM_001386600.1 and 5 more transcripts); c.1297G>A, p.Asp433Asn (NM_001386605.1); c.1273G>A, p.Asp425Asn (NM_001386606.1, NM_001386607.1); c.1243G>A, p.Asp415Asn (NM_001386608.1); c.1201G>A, p.Asp401Asn (NM_001386610.1, NM_001386611.1); c.1138G>A, p.Asp380Asn (NM_001386612.1, NM_001386613.1); c.1090G>A, p.Asp364Asn (NM_001386614.1); c.1432G>A, p.Asp478Asn (NM_001386615.1); and 1 more; short protein forms D380N, D401N, D415N, D425N, D433N, D364N, D446N, D478N.
Identifiers: ClinVar variation 2183428 (VCV002183428.1), dbSNP rs144514905, ClinGen allele CA7893524.

ClinVar aggregate classification (germline): Uncertain significance (1 of 4 stars; one submission).

Conditions:
Gamma-aminobutyric acid transaminase deficiency (GABATD). Also called: GABA transaminase deficiency; Gamma aminobutyrate transaminase deficiency; 4 alpha aminobutyrate transaminase deficiency; GABA aminotransaminase deficiency. Identifiers: Orphanet 2066, MedGen C0342708, MONDO:0013166, OMIM 613163.

Allele frequency attached by ClinVar (database versions not stated): TOPMed below 0.00001; ExAC 0.00002; gnomAD exomes 0.00002; ESP Exome Variant Server 0.00008.
gnomAD v4.1: 29 of 1,614,024 alleles (0.0018%); highest among the groups gnomAD compares: Middle Eastern, 0.016%; no homozygotes.

Submission:

Labcorp Genetics (formerly Invitae), Labcorp
Classification: Uncertain significance for Gamma-aminobutyric acid transaminase deficiency. Last evaluated: 2022-08-06. Review status: criteria provided, single submitter. Criteria: Invitae Variant Classification Sherloc (09022015). Collection method: clinical testing. Allele origin: germline.
Comment: This sequence change replaces aspartic acid, which is acidic and polar, with asparagine, which is neutral and polar, at codon 446 of the ABAT protein (p.Asp446Asn). This variant is present in population databases (rs144514905, gnomAD 0.006%). This variant has not been reported in the literature in individuals affected with ABAT-related conditions. Algorithms developed to predict the effect of missense changes on protein structure and function (SIFT, PolyPhen-2, Align-GVGD) all suggest that this variant is likely to be tolerated. In summary, the available evidence is currently insufficient to determine the role of this variant in disease. Therefore, it has been classified as a Variant of Uncertain Significance.